The following is an entry in ClinVar:

NM_000069.3(CACNA1S):c.258+6A>T

Gene: CACNA1S (calcium voltage-gated channel subunit alpha1 S; minus strand). Cytogenetic location: 1q32.1.
Variant type: single nucleotide variant.
Coding change: c.258+6A>T on transcript NM_000069.3 (MANE Select); 6 bases into the intron after coding-DNA position 258, A replaced by T.
Molecular consequence: intron variant.
Genome position (GRCh38, 1-based): chr1:201,110,158, T>A on the plus strand (A>T on the coding strand, the complement: CACNA1S is on the minus strand). VCF-style: chr1-201110158-T-A. GRCh37 (hg19) VCF-style: chr1-201079286-T-A.
Identifiers: ClinVar variation 3748204 (VCV003748204.2).
Genomic context (GRCh38, chr1:201,110,158, plus strand): 5'-CAAGGGGGCCTCCCCAAGCCTGGGGCTGCAGGCTCGCAGGAAGGGAGATGGAAGGGCCAA[T>A]CTTACCAGGCCGAGGTTCAGAGAGTTGTTGTCATCTTCCGGCATGGGCAGGTACACGGCC-3'

ClinVar aggregate classification (germline): Uncertain significance (1 of 4 stars; one submission).

Conditions:
Malignant hyperthermia, susceptibility to, 5 (MHS5). Also called: CACNA1S-Related Malignant Hyperthermia Susceptibility. Identifiers: Orphanet 423, MedGen C1866077, MONDO:0011163, OMIM 601887.
Hypokalemic periodic paralysis, type 1. Also called: Hypokalemic Periodic Paralysis Type 1 (AD); HypoPP. Identifiers: Orphanet 681, MedGen C3714580, MONDO:0042979, OMIM 170400.

gnomAD v4.1: 6 of 1,613,518 alleles (0.00037%); highest among the groups gnomAD compares: Non-Finnish European, 0.00034%; no homozygotes.

Submission:

Labcorp Genetics (formerly Invitae), Labcorp
Classification: Uncertain significance for Hypokalemic periodic paralysis, type 1; Malignant hyperthermia, susceptibility to, 5. Last evaluated: 2024-12-10. Review status: criteria provided, single submitter. Criteria: Invitae Variant Classification Sherloc (09022015). Collection method: clinical testing. Allele origin: germline.
Comment: This sequence change falls in intron 2 of the CACNA1S gene. It does not directly change the encoded amino acid sequence of the CACNA1S protein. It affects a nucleotide within the consensus splice site. This variant is present in population databases (no rsID available, gnomAD 0.03%). This variant has not been reported in the literature in individuals affected with CACNA1S-related conditions. Variants that disrupt the consensus splice site are a relatively common cause of aberrant splicing (PMID: 17576681, 9536098). Algorithms developed to predict the effect of sequence changes on RNA splicing suggest that this variant is not likely to affect RNA splicing. In summary, the available evidence is currently insufficient to determine the role of this variant in disease. Therefore, it has been classified as a Variant of Uncertain Significance.

Literature cited by the submitters: PubMed 17576681; PubMed 9536098.